The following is an entry in ClinVar:

ClinVar aggregate classification (germline): Conflicting classifications of pathogenicity. Review status: criteria provided, conflicting classifications (1 of 4 stars). 2 submissions from 2 submitters: Uncertain significance (1); Likely benign (1). Last evaluated 2025-05-27.

Conditions:
Cardiovascular phenotype. Identifiers: MedGen CN230736.
Hypercholesterolemia, familial, 4 (FHCL4). Also called: HYPERCHOLESTEROLEMIA, AUTOSOMAL RECESSIVE, 1; HYPERCHOLESTEROLEMIA, AUTOSOMAL RECESSIVE, 2. Identifiers: Orphanet 391665, MedGen C1863512, MONDO:0011374, OMIM 603813.

Allele frequency attached by ClinVar (database versions not stated): gnomAD exomes below 0.00001; ExAC 0.00001; gnomAD 0.00002; TOPMed 0.00002; ESP Exome Variant Server 0.00008.
gnomAD v4.1: 4 of 1,614,008 alleles (0.00025%); highest among the groups gnomAD compares: Non-Finnish European, 0.00034%; no homozygotes.

Submissions (2):

Labcorp Genetics (formerly Invitae), Labcorp
Classification: Likely benign for Hypercholesterolemia, familial, 4. Last evaluated: 2025-05-27. Review status: criteria provided, single submitter. Criteria: Invitae Variant Classification Sherloc (09022015). Collection method: clinical testing. Allele origin: germline.

Ambry Genetics
Classification: Uncertain significance for Cardiovascular phenotype. Last evaluated: 2023-11-21. Review status: criteria provided, single submitter. Criteria: Ambry Variant Classification Scheme 2023. Collection method: clinical testing. Allele origin: germline.
Comment: The c.186G>A variant (also known as p.K62K), located in coding exon 2 of the LDLRAP1 gene, results from a G to A substitution at nucleotide position 186. This nucleotide substitution does not change the lysine at codon 62. This nucleotide position is not well conserved in available vertebrate species. In silico splice site analysis predicts that this alteration will result in the creation or strengthening of a novel splice donor site. Since supporting evidence is limited at this time, the clinical significance of this alteration remains unclear.

NM_015627.3(LDLRAP1):c.186G>A (p.Lys62=)

Gene: LDLRAP1 (low density lipoprotein receptor adaptor protein 1; plus strand). Cytogenetic location: 1p36.11.
Variant type: single nucleotide variant.
Coding change: c.186G>A on transcript NM_015627.3 (MANE Select); coding-DNA position 186, G replaced by A.
Protein change: p.Lys62=; no amino-acid change (lysine 62 retained).
Molecular consequence: synonymous variant.
Genome position (GRCh38, 1-based): chr1:25,554,019, G>A. VCF-style: chr1-25554019-G-A. GRCh37 (hg19) VCF-style: chr1-25880510-G-A.
Other names: c.186G>A (NM_015627.2).
Identifiers: ClinVar variation 1121399 (VCV001121399.10), dbSNP rs372215069, ClinGen allele CA695453.